The following is an entry in ClinVar:

NM_000535.7(PMS2):c.259C>T (p.His87Tyr)

Gene: PMS2 (PMS1 homolog 2, mismatch repair system component; minus strand). Cytogenetic location: 7p22.1.
Variant type: single nucleotide variant.
Coding change: c.259C>T on transcript NM_000535.7 (MANE Select); coding-DNA position 259, C replaced by T.
Protein change: p.His87Tyr; replaces histidine 87 with tyrosine.
Molecular consequence: missense variant. On other transcripts: 5 prime UTR variant (35), non-coding transcript variant (1), intron variant (11).
Genome position (GRCh38, 1-based): chr7:6,003,784, G>A on the plus strand (C>T on the coding strand, the complement: PMS2 is on the minus strand). VCF-style: chr7-6003784-G-A. GRCh37 (hg19) VCF-style: chr7-6043415-G-A.
Other names: c.-147C>T (NM_001018040.1, NM_001322003.2, NM_001322004.2 and 14 more transcripts); c.259C>T, p.His87Tyr (NM_001322006.2, NM_001322014.2, NM_001406869.1 and 8 more transcripts); c.-626C>T (NM_001322011.2, NM_001322012.2); c.-226C>T (NM_001322015.2, NM_001406875.1, NM_001406877.1 and 3 more transcripts); c.445C>T, p.His149Tyr (NM_001406866.1); c.283C>T, p.His95Tyr (NM_001406868.1); c.-173C>T (NM_001406880.1); c.-94C>T (NM_001406888.1, NM_001406889.1, NM_001406892.1 and 6 more transcripts); and 5 more; short protein forms H95Y, H149Y, H87Y.
Identifiers: ClinVar variation 3018365 (VCV003018365.5), dbSNP rs1202450570, ClinGen allele CA366744718.

ClinVar aggregate classification (germline): Uncertain significance. Review status: criteria provided, multiple submitters, no conflicts (2 of 4 stars). 3 submissions from 3 submitters: Uncertain significance (3). Last evaluated 2025-02-03.

Conditions:
Hereditary nonpolyposis colorectal neoplasms. Identifiers: MedGen C0009405, MeSH D003123.
Lynch syndrome. Identifiers: Orphanet 144, MedGen C4552100, MONDO:0005835. Disease mechanism: loss of function.
Hereditary cancer-predisposing syndrome. Also called: Tumor predisposition; Hereditary neoplastic syndrome; Hereditary Cancer Syndrome; Neoplastic Syndromes, Hereditary. Identifiers: Orphanet 140162, MedGen C0027672, MeSH D009386, MONDO:0015356.

Allele frequency attached by ClinVar (database versions not stated): gnomAD exomes below 0.00001.

Submissions (3):

Ambry Genetics
Classification: Uncertain significance for Hereditary cancer-predisposing syndrome. Last evaluated: 2025-02-03. Review status: criteria provided, single submitter. Criteria: Ambry Variant Classification Scheme 2023. Collection method: clinical testing. Allele origin: germline.
Comment: The p.H87Y variant (also known as c.259C>T), located in coding exon 4 of the PMS2 gene, results from a C to T substitution at nucleotide position 259. The histidine at codon 87 is replaced by tyrosine, an amino acid with similar properties. This amino acid position is conserved. In addition, this alteration is predicted to be deleterious by in silico analysis. Based on the available evidence, the clinical significance of this variant remains unclear.

All of Us Research Program, National Institutes of Health
Classification: Uncertain significance for Lynch syndrome. Last evaluated: 2023-05-31. Review status: criteria provided, single submitter. Criteria: ACMG Guidelines, 2015. Collection method: clinical testing. Allele origin: germline. Inheritance: Autosomal dominant inheritance. Observed: 1 variant allele, 1 heterozygote.
Comment: This study involves interpretation of variants in research participants for the purpose of population health screening. Participant phenotype was not available at the time of variant classification. Additional details can be found in publication PMID: 35346344, PMCID: PMC8962531

Labcorp Genetics (formerly Invitae), Labcorp
Classification: Uncertain significance for Hereditary nonpolyposis colorectal neoplasms. Last evaluated: 2022-11-23. Review status: criteria provided, single submitter. Criteria: Invitae Variant Classification Sherloc (09022015). Collection method: clinical testing. Allele origin: germline.
Comment: In summary, the available evidence is currently insufficient to determine the role of this variant in disease. Therefore, it has been classified as a Variant of Uncertain Significance. Advanced modeling of protein sequence and biophysical properties (such as structural, functional, and spatial information, amino acid conservation, physicochemical variation, residue mobility, and thermodynamic stability) performed at Invitae indicates that this missense variant is not expected to disrupt PMS2 protein function. This variant has not been reported in the literature in individuals affected with PMS2-related conditions. This variant is present in population databases (no rsID available, gnomAD 0.003%). This sequence change replaces histidine, which is basic and polar, with tyrosine, which is neutral and polar, at codon 87 of the PMS2 protein (p.His87Tyr).